The following is an entry in ClinVar:

NM_153240.5(NPHP3):c.3604T>C (p.Leu1202=)

Genes: NPHP3 (nephrocystin 3; minus strand), NPHP3-ACAD11 (NPHP3-ACAD11 readthrough (NMD candidate); minus strand). Cytogenetic location: 3q22.1.
Variant type: single nucleotide variant.
Coding change: c.3604T>C on transcript NM_153240.5 (MANE Select); coding-DNA position 3604, T replaced by C.
Protein change: p.Leu1202=; no amino-acid change (leucine 1202 retained).
Molecular consequence: synonymous variant. On other transcripts: non-coding transcript variant (1).
Genome position (GRCh38, 1-based): chr3:132,683,491, A>G on the plus strand (T>C on the coding strand, the complement: NPHP3 is on the minus strand). VCF-style: chr3-132683491-A-G. GRCh37 (hg19) VCF-style: chr3-132402335-A-G.
Other names: c.3604T>C (NM_153240.4).
Identifiers: ClinVar variation 2053371 (VCV002053371.5), dbSNP rs772968240, ClinGen allele CA2621694.
Genomic context (GRCh38, chr3:132,683,491, plus strand): 5'-AGGCAGTAGCTACACTAGGGTGCTTTGGGCCAAAAGATTTCTGTCGAATTTCAACAGCCA[A>G]TTCATACAAAGGTACAGCTTTGTCAAGTTTCCCCTAAAAAACAAGAGTTAAATCTAACAA-3'
Protein context (NP_694972.3, residues 1192-1212): KLDKAVPLYE[Leu1202=]AVEIRQKSFG

ClinVar aggregate classification (germline): Likely benign. Review status: criteria provided, single submitter (1 of 4 stars). 2 submissions from 2 submitters: Likely benign (1). 1 of the submissions does not count toward it. Last evaluated 2022-05-12.

Conditions:
Nephronophthisis. Also called: Juvenile Nephronophthisis. Identifiers: Orphanet 655, MedGen C0687120, MONDO:0019005, HP:0000090.
NPHP3-related disorder. Also called: NPHP3-related disorders; NPHP3-related condition. Identifiers: MedGen CN379163.

Allele frequency attached by ClinVar (database versions not stated): gnomAD 0.00001; ExAC 0.00002.
gnomAD v4.1: 8 of 1,613,068 alleles (0.0005%); highest among the groups gnomAD compares: East Asian, 0.0022%; no homozygotes.

Submissions (2):

Labcorp Genetics (formerly Invitae), Labcorp
Classification: Likely benign for Nephronophthisis. Last evaluated: 2022-05-12. Review status: criteria provided, single submitter. Criteria: Invitae Variant Classification Sherloc (09022015). Collection method: clinical testing. Allele origin: germline.

PreventionGenetics, part of Exact Sciences
Classification: Likely benign for NPHP3-related condition. Last evaluated: 2024-08-26. Review status: no assertion criteria provided. Collection method: clinical testing. Allele origin: germline. Not counted in ClinVar's aggregate classification.
Comment: This variant is classified as likely benign based on ACMG/AMP sequence variant interpretation guidelines (Richards et al. 2015 PMID: 25741868, with internal and published modifications).